The following is an entry in ClinVar:

NC_000012.11:g.(6105389_6120782)_(6233842_?)del

Gene: VWF (von Willebrand factor; minus strand). Cytogenetic location: 12p13.31.
Variant type: Deletion.
Identifiers: ClinVar variation 1696148 (VCV001696148.1).

ClinVar aggregate classification (germline): Likely pathogenic (1 of 4 stars; one submission).

Conditions:
Hereditary von Willebrand disease. Identifiers: Orphanet 903, MedGen C5703318, MONDO:0019565. Inheritance: Autosomal recessive or Autosomal dominant.

Submission:

Women's Health and Genetics/Laboratory Corporation of America, LabCorp
Classification: Likely pathogenic for von Willebrand disorder. Last evaluated: 2022-05-31. Review status: criteria provided, single submitter. Criteria: LabCorp Variant Classification Summary - May 2015. Collection method: clinical testing. Allele origin: germline.
Comment: Variant summary: The variant identified by MLPA or other technology involves the deletion of exons 1-34 in the VWF gene. A presumed nomenclature of c.(?_-256)_(5842+1_5843-1)del has been designated for the purposes of this classification. The variant was absent in 21694 control chromosomes (gnomAD, Structural Variants dataset). To our knowledge, no occurrence of c.(?_-256)_(5842+1_5843-1)del in individuals affected with Von Willebrand Disease and no experimental evidence demonstrating its impact on protein function have been reported. A ClinVar submitter (evaluation after 2014) cites the variant as pathogenic. Based on the evidence outlined above, the variant was classified as likely pathogenic.